The following is an entry in ClinVar:

ClinVar aggregate classification (germline): Likely benign (1 of 4 stars; one submission).

Submission:

GeneDx
Classification: Likely benign. Last evaluated: 2018-01-30. Review status: criteria provided, single submitter. Criteria: GeneDx Variant Classification (06012015). Collection method: clinical testing. Allele origin: germline. Affected: yes.
Comment: This variant is considered likely benign or benign based on one or more of the following criteria: it is a conservative change, it occurs at a poorly conserved position in the protein, it is predicted to be benign by multiple in silico algorithms, and/or has population frequency not consistent with disease.

NM_007254.4(PNKP):c.1030-20G>A

Gene: PNKP (polynucleotide kinase 3'-phosphatase; minus strand). Cytogenetic location: 19q13.33.
Variant type: single nucleotide variant.
Coding change: c.1030-20G>A on transcript NM_007254.4 (MANE Select); 20 bases into the intron before coding-DNA position 1030, G replaced by A.
Molecular consequence: intron variant.
Genome position (GRCh38, 1-based): chr19:49,862,301, C>T on the plus strand (G>A on the coding strand, the complement: PNKP is on the minus strand). VCF-style: chr19-49862301-C-T. GRCh37 (hg19) VCF-style: chr19-50365558-C-T.
Identifiers: ClinVar variation 514763 (VCV000514763.1), dbSNP rs1200668101, ClinGen allele CA633895235.